The following is an entry in ClinVar:

NM_005045.4(RELN):c.5744A>G (p.Tyr1915Cys)

Gene: RELN (reelin; minus strand). Cytogenetic location: 7q22.1.
Variant type: single nucleotide variant.
Coding change: c.5744A>G on transcript NM_005045.4 (MANE Select); coding-DNA position 5744, A replaced by G.
Protein change: p.Tyr1915Cys; replaces tyrosine 1915 with cysteine.
Molecular consequence: missense variant.
Genome position (GRCh38, 1-based): chr7:103,557,030, T>C on the plus strand (A>G on the coding strand, the complement: RELN is on the minus strand). VCF-style: chr7-103557030-T-C. GRCh37 (hg19) VCF-style: chr7-103197477-T-C.
Other names: c.5744A>G, p.Tyr1915Cys (NM_173054.3); short protein forms Y1915C.
Identifiers: ClinVar variation 836500 (VCV000836500.9), dbSNP rs1373786748, ClinGen allele CA368741379.

ClinVar aggregate classification (germline): Uncertain significance (1 of 4 stars; one submission).

Conditions:
Norman-Roberts syndrome (LIS2). Also called: Lissencephaly 2 (Norman-Roberts type). Identifiers: Orphanet 89844, MedGen C0796089, MONDO:0009760, OMIM 257320.
Familial temporal lobe epilepsy 7. Identifiers: Orphanet 101046, MedGen C4225327, MONDO:0014639, OMIM 616436.

Allele frequency attached by ClinVar (database versions not stated): gnomAD exomes below 0.00001; gnomAD 0.00001; TOPMed 0.00002.
gnomAD v4.1: 3 of 1,613,812 alleles (0.00019%); highest among the groups gnomAD compares: African/African-American, 0.004%; no homozygotes.

Submission:

Labcorp Genetics (formerly Invitae), Labcorp
Classification: Uncertain significance for Familial temporal lobe epilepsy 7; Norman-Roberts syndrome. Last evaluated: 2025-08-22. Review status: criteria provided, single submitter. Criteria: Invitae Variant Classification Sherloc (09022015). Collection method: clinical testing. Allele origin: germline.
Comment: This sequence change replaces tyrosine, which is neutral and polar, with cysteine, which is neutral and slightly polar, at codon 1915 of the RELN protein (p.Tyr1915Cys). This variant is not present in population databases (gnomAD no frequency). This variant has not been reported in the literature in individuals affected with RELN-related conditions. ClinVar contains an entry for this variant (Variation ID: 836500). Invitae Evidence Modeling of protein sequence and biophysical properties (such as structural, functional, and spatial information, amino acid conservation, physicochemical variation, residue mobility, and thermodynamic stability) indicates that this missense variant is not expected to disrupt RELN protein function with a negative predictive value of 80%. In summary, the available evidence is currently insufficient to determine the role of this variant in disease. Therefore, it has been classified as a Variant of Uncertain Significance.